The following is an entry in ClinVar:

ClinVar aggregate classification (germline): Conflicting classifications of pathogenicity. Review status: criteria provided, conflicting classifications (1 of 4 stars). 3 submissions from 3 submitters: Uncertain significance (2); Likely benign (1). Last evaluated 2023-02-22.

Conditions:
Long QT syndrome (LQTS). Identifiers: MedGen C0023976, MeSH D008133, MONDO:0002442. Disease mechanism: loss of function. Inheritance: Various modes of inheritance.
Cardiac arrhythmia, ankyrin-B-related. Also called: ANKYRIN-B SYNDROME. Identifiers: Orphanet 101016, Orphanet 768, MedGen C1970119, MONDO:0010958, OMIM 600919.
Cardiovascular phenotype. Identifiers: MedGen CN230736.

Allele frequency attached by ClinVar (database versions not stated): gnomAD exomes 0.00002.
gnomAD v4.1: 35 of 1,613,922 alleles (0.0022%); highest among the groups gnomAD compares: Non-Finnish European, 0.0027%; no homozygotes.

Submissions (3):

Labcorp Genetics (formerly Invitae), Labcorp
Classification: Uncertain significance for Long QT syndrome. Last evaluated: 2023-02-22. Review status: criteria provided, single submitter. Criteria: Invitae Variant Classification Sherloc (09022015). Collection method: clinical testing. Allele origin: germline.
Comment: In summary, the available evidence is currently insufficient to determine the role of this variant in disease. Therefore, it has been classified as a Variant of Uncertain Significance. An algorithm developed to predict the effect of missense changes on protein structure and function (PolyPhen-2) suggests that this variant is likely to be disruptive. ClinVar contains an entry for this variant (Variation ID: 519503). This variant has not been reported in the literature in individuals affected with ANK2-related conditions. This variant is not present in population databases (gnomAD no frequency). This sequence change replaces glutamic acid, which is acidic and polar, with glycine, which is neutral and non-polar, at codon 2518 of the ANK2 protein (p.Glu2518Gly).

Fulgent Genetics
Classification: Uncertain significance for Cardiac arrhythmia, ankyrin-B-related. Last evaluated: 2021-10-20. Review status: criteria provided, single submitter. Criteria: ACMG Guidelines, 2015. Collection method: clinical testing. Allele origin: unknown.

Ambry Genetics
Classification: Likely benign for Cardiovascular phenotype. Last evaluated: 2021-06-29. Review status: criteria provided, single submitter. Criteria: Ambry Variant Classification Scheme 2023. Collection method: clinical testing. Allele origin: germline.

NM_001148.6(ANK2):c.7553A>G (p.Glu2518Gly)

Genes: ANK2 (ankyrin 2; plus strand), LOC126807137 (CDK7 strongly-dependent group 2 enhancer GRCh37_chr4:114276560-114277759; plus strand). Cytogenetic location: 4q26.
Variant type: single nucleotide variant.
Coding change: c.7553A>G on transcript NM_001148.6 (MANE Select); coding-DNA position 7553, A replaced by G.
Protein change: p.Glu2518Gly; replaces glutamic acid 2518 with glycine.
Molecular consequence: missense variant. On other transcripts: intron variant (68).
Genome position (GRCh38, 1-based): chr4:113,356,171, A>G. VCF-style: chr4-113356171-A-G. GRCh37 (hg19) VCF-style: chr4-114277327-A-G.
Other names: c.7319A>G, p.Glu2440Gly (NM_001386142.1); c.3953A>G, p.Glu1318Gly (NM_001386166.1); c.7694A>G, p.Glu2565Gly (NM_001386174.1); c.7670A>G, p.Glu2557Gly (NM_001386175.1); c.4412-4652A>G (NM_001386186.2, NM_001386148.2); c.4214-4652A>G (NM_001354269.3); c.4292-4652A>G (NM_001386187.2); c.4253-4652A>G (NM_001386147.1); and 35 more; short protein forms E2518G, E1318G, E2440G, E2557G, E2565G.
Identifiers: ClinVar variation 519503 (VCV000519503.9), dbSNP rs926379811, ClinGen allele CA103815270.